The following is an entry in ClinVar:

NM_001197104.2(KMT2A):c.11429G>A (p.Arg3810Gln)

Genes: KMT2A (lysine methyltransferase 2A; plus strand), TTC36-AS1 (TTC36 and KMT2A antisense RNA 1; minus strand). Cytogenetic location: 11q23.3.
Variant type: single nucleotide variant.
Coding change: c.11429G>A on transcript NM_001197104.2 (MANE Select); coding-DNA position 11429, G replaced by A.
Protein change: p.Arg3810Gln; replaces arginine 3810 with glutamine.
Molecular consequence: missense variant.
Genome position (GRCh38, 1-based): chr11:118,520,064, G>A. VCF-style: chr11-118520064-G-A. GRCh37 (hg19) VCF-style: chr11-118390779-G-A.
Other names: c.11519G>A, p.Arg3840Gln (NM_001412597.1); c.11420G>A, p.Arg3807Gln (NM_005933.4); short protein forms R3807Q, R3840Q, R3810Q.
Identifiers: ClinVar variation 1942311 (VCV001942311.5), dbSNP rs1555053012, ClinGen allele CA382833915.

ClinVar aggregate classification (germline): Uncertain significance (1 of 4 stars; one submission).

Allele frequency attached by ClinVar (database versions not stated): gnomAD exomes below 0.00001.
gnomAD v4.1: 1 of 1,606,352 alleles (0.000062%); highest among the groups gnomAD compares: Non-Finnish European, 0.000085%; no homozygotes.

Submission:

Labcorp Genetics (formerly Invitae), Labcorp
Classification: Uncertain significance. Last evaluated: 2022-07-03. Review status: criteria provided, single submitter. Criteria: Invitae Variant Classification Sherloc (09022015). Collection method: clinical testing. Allele origin: germline.
Comment: In summary, the available evidence is currently insufficient to determine the role of this variant in disease. Therefore, it has been classified as a Variant of Uncertain Significance. Variants that disrupt the consensus splice site are a relatively common cause of aberrant splicing (PMID: 17576681, 9536098). Algorithms developed to predict the effect of sequence changes on RNA splicing suggest that this variant may create or strengthen a splice site. Algorithms developed to predict the effect of missense changes on protein structure and function are either unavailable or do not agree on the potential impact of this missense change (SIFT: "Deleterious"; PolyPhen-2: "Probably Damaging"; Align-GVGD: "Class C0"). This variant has not been reported in the literature in individuals affected with KMT2A-related conditions. This variant is present in population databases (no rsID available, gnomAD 0.01%). This sequence change replaces arginine, which is basic and polar, with glutamine, which is neutral and polar, at codon 3810 of the KMT2A protein (p.Arg3810Gln). This variant also falls at the last nucleotide of exon 33, which is part of the consensus splice site for this exon.

Literature cited by the submitters: PubMed 17576681; PubMed 9536098.